The following is an entry in ClinVar:

ClinVar aggregate classification (germline): Uncertain significance (1 of 4 stars; one submission).

Conditions:
Autosomal recessive limb-girdle muscular dystrophy type 2O. Also called: Limb-Girdle Muscular Dystrophy Type 3C; MUSCULAR DYSTROPHY-DYSTROGLYCANOPATHY (LIMB-GIRDLE), TYPE C, 3; MUSCULAR DYSTROPHY-DYSTROGLYCANOPATHY, LIMB-GIRDLE, POMGNT1-RELATED. Identifiers: Orphanet 206564, MedGen C3150417, MONDO:0013161, OMIM 613157.
Muscular dystrophy-dystroglycanopathy (congenital with impaired intellectual development), type B, 3. Also called: Muscular dystrophy-dystroglycanopathy (congenital with intellectual disability), type B3; MUSCULAR DYSTROPHY, CONGENITAL, POMGNT1-RELATED. Identifiers: MedGen C3150412, MONDO:0013155, OMIM 613151.

Allele frequency attached by ClinVar (database versions not stated): gnomAD exomes below 0.00001.
gnomAD v4.1: 1 of 1,614,162 alleles (0.000062%); highest among the groups gnomAD compares: Admixed American, 0.0017%; no homozygotes.

Submission:

Labcorp Genetics (formerly Invitae), Labcorp
Classification: Uncertain significance for Autosomal recessive limb-girdle muscular dystrophy type 2O; Muscular dystrophy-dystroglycanopathy (congenital with impaired intellectual development), type B, 3. Last evaluated: 2022-01-02. Review status: criteria provided, single submitter. Criteria: Invitae Variant Classification Sherloc (09022015). Collection method: clinical testing. Allele origin: germline.
Comment: In summary, the available evidence is currently insufficient to determine the role of this variant in disease. Therefore, it has been classified as a Variant of Uncertain Significance. Advanced modeling of protein sequence and biophysical properties (such as structural, functional, and spatial information, amino acid conservation, physicochemical variation, residue mobility, and thermodynamic stability) performed at Invitae indicates that this missense variant is not expected to disrupt POMGNT1 protein function. This variant has not been reported in the literature in individuals affected with POMGNT1-related conditions. This variant is not present in population databases (gnomAD no frequency). This sequence change replaces histidine, which is basic and polar, with aspartic acid, which is acidic and polar, at codon 432 of the POMGNT1 protein (p.His432Asp).

NM_017739.4(POMGNT1):c.1294C>G (p.His432Asp)

Genes: POMGNT1 (protein O-linked mannose N-acetylglucosaminyltransferase 1 (beta 1,2-); minus strand), TSPAN1 (tetraspanin 1; plus strand). Cytogenetic location: 1p34.1.
Variant type: single nucleotide variant.
Coding change: c.1294C>G on transcript NM_017739.4 (MANE Select); coding-DNA position 1294, C replaced by G.
Protein change: p.His432Asp; replaces histidine 432 with aspartic acid.
Molecular consequence: missense variant.
Genome position (GRCh38, 1-based): chr1:46,192,427, G>C on the plus strand (C>G on the coding strand, the complement: POMGNT1 is on the minus strand). VCF-style: chr1-46192427-G-C. GRCh37 (hg19) VCF-style: chr1-46658099-G-C.
Other names: c.1294C>G, p.His432Asp (NM_001243766.2, NM_001410783.1); c.1228C>G, p.His410Asp (NM_001290129.3); c.865C>G, p.His289Asp (NM_001290130.2); short protein forms H432D, H289D, H410D.
Identifiers: ClinVar variation 2079947 (VCV002079947.4), dbSNP rs890480720, ClinGen allele CA21912585.